The following is an entry in ClinVar:

ClinVar aggregate classification (germline): Uncertain significance (1 of 4 stars; one submission).

Conditions:
Cardiovascular phenotype. Identifiers: MedGen CN230736.

gnomAD v4.1: 6 of 1,550,028 alleles (0.00039%); highest among the groups gnomAD compares: South Asian, 0.0059%; no homozygotes.

Submission:

Ambry Genetics
Classification: Uncertain significance for Cardiovascular phenotype. Last evaluated: 2025-03-25. Review status: criteria provided, single submitter. Criteria: Ambry Variant Classification Scheme 2023. Collection method: clinical testing. Allele origin: germline.
Comment: The p.P397S variant (also known as c.1189C>T), located in coding exon 1 of the ZNF469 gene, results from a C to T substitution at nucleotide position 1189. The proline at codon 397 is replaced by serine, an amino acid with similar properties. This amino acid position is conserved. In addition, this alteration is predicted to be tolerated by in silico analysis. Based on the available evidence, the clinical significance of this variant remains unclear.

NM_001367624.2(ZNF469):c.1189C>T (p.Pro397Ser)

Gene: ZNF469 (zinc finger protein 469; plus strand). Cytogenetic location: 16q24.2.
Variant type: single nucleotide variant.
Coding change: c.1189C>T on transcript NM_001367624.2 (MANE Select); coding-DNA position 1189, C replaced by T.
Protein change: p.Pro397Ser; replaces proline 397 with serine.
Molecular consequence: missense variant.
Genome position (GRCh38, 1-based): chr16:88,428,659, C>T. VCF-style: chr16-88428659-C-T. GRCh37 (hg19) VCF-style: chr16-88495067-C-T.
Other names: NM_001127464.1:c.1189C>T; short protein forms P397S.
Identifiers: ClinVar variation 3987307 (VCV003987307.1).
Genomic context (GRCh38, chr16:88,428,659, plus strand): 5'-ACCAAAATCCTTCCCGAAAGACCACCTTCAGCCCAGGATGGGCTGGGGAGCACGAGAGGG[C>T]CCCCTAGCTCCCTACCCCAGAGGCACTTTCCAGGGCAGGCGTACAGAGCCAGTGGGGTGG-3'
Protein context (NP_001354553.1, residues 387-407): AQDGLGSTRG[Pro397Ser]PSSLPQRHFP